The following is an entry in ClinVar:

ClinVar aggregate classification (germline): Uncertain significance (1 of 4 stars; one submission).

Conditions:
Spastic paraplegia. Identifiers: MedGen C0037772, HP:0001258.

Allele frequency attached by ClinVar (database versions not stated): gnomAD exomes below 0.00001.
gnomAD v4.1: 2 of 1,613,952 alleles (0.00012%); highest among the groups gnomAD compares: Non-Finnish European, 0.00017%; no homozygotes.

Submission:

Labcorp Genetics (formerly Invitae), Labcorp
Classification: Uncertain significance for Spastic paraplegia. Last evaluated: 2025-10-26. Review status: criteria provided, single submitter. Criteria: Invitae Variant Classification Sherloc (09022015). Collection method: clinical testing. Allele origin: germline.
Comment: This sequence change replaces serine, which is neutral and polar, with isoleucine, which is neutral and non-polar, at codon 754 of the KIF5A protein (p.Ser754Ile). This variant is not present in population databases (gnomAD no frequency). This variant has not been reported in the literature in individuals affected with KIF5A-related conditions. ClinVar contains an entry for this variant (Variation ID: 1387180). Invitae Evidence Modeling of protein sequence and biophysical properties (such as structural, functional, and spatial information, amino acid conservation, physicochemical variation, residue mobility, and thermodynamic stability) indicates that this missense variant is not expected to disrupt KIF5A protein function with a negative predictive value of 95%. In summary, the available evidence is currently insufficient to determine the role of this variant in disease. Therefore, it has been classified as a Variant of Uncertain Significance.

NM_004984.4(KIF5A):c.2261G>T (p.Ser754Ile)

Gene: KIF5A (kinesin family member 5A; plus strand). Cytogenetic location: 12q13.3.
Variant type: single nucleotide variant.
Coding change: c.2261G>T on transcript NM_004984.4 (MANE Select); coding-DNA position 2261, G replaced by T.
Protein change: p.Ser754Ile; replaces serine 754 with isoleucine.
Molecular consequence: missense variant.
Genome position (GRCh38, 1-based): chr12:57,576,823, G>T. VCF-style: chr12-57576823-G-T. GRCh37 (hg19) VCF-style: chr12-57970606-G-T.
Other names: c.1994G>T, p.Ser665Ile (NM_001354705.2); short protein forms S665I, S754I.
Identifiers: ClinVar variation 1387180 (VCV001387180.7), dbSNP rs1882441483, ClinGen allele CA385511589.